The following is an entry in ClinVar:

NM_000321.3(RB1):c.139C>T (p.Leu47Phe)

Gene: RB1 (RB transcriptional corepressor 1; plus strand). Cytogenetic location: 13q14.2.
Variant type: single nucleotide variant.
Coding change: c.139C>T on transcript NM_000321.3 (MANE Select); coding-DNA position 139, C replaced by T.
Protein change: p.Leu47Phe; replaces leucine 47 with phenylalanine.
Molecular consequence: missense variant.
Genome position (GRCh38, 1-based): chr13:48,307,281, C>T. VCF-style: chr13-48307281-C-T. GRCh37 (hg19) VCF-style: chr13-48881417-C-T.
Other names: short protein forms L47F.
Identifiers: ClinVar variation 835394 (VCV000835394.11), dbSNP rs1952088853, ClinGen allele CA388250423.
Genomic context (GRCh38, chr13:48,307,281, plus strand): 5'-TACTGAATCAATTTGATTTATAAGTATATGCCAATTATATGATTATTTTCATTTGGTAGG[C>T]TTGAGTTTGAAGAAACAGAAGAACCTGATTTTACTGCATTATGTCAGAAATTAAAGATAC-3'
Protein context (NP_000312.2, residues 37-57): SGPEDLPLVR[Leu47Phe]EFEETEEPDF

ClinVar aggregate classification (germline): Uncertain significance. Review status: criteria provided, multiple submitters, no conflicts (2 of 4 stars). 2 submissions from 2 submitters: Uncertain significance (2). Last evaluated 2024-05-08.

Conditions:
Hereditary cancer-predisposing syndrome. Also called: Hereditary neoplastic syndrome; Neoplastic Syndromes, Hereditary; Tumor predisposition; Hereditary Cancer Syndrome. Identifiers: Orphanet 140162, MedGen C0027672, MeSH D009386, MONDO:0015356.
Retinoblastoma (RB1). Also called: RETINOBLASTOMA, SOMATIC. Identifiers: Orphanet 790, MedGen C0035335, MeSH D012175, MONDO:0008380, OMIM 180200, HP:0009919. Disease mechanism: loss of function. Inheritance: Both sporadic and heritable forms are tested..

Allele frequency attached by ClinVar (database versions not stated): gnomAD exomes below 0.00001.

Submissions (2):

Labcorp Genetics (formerly Invitae), Labcorp
Classification: Uncertain significance for Retinoblastoma. Last evaluated: 2024-05-08. Review status: criteria provided, single submitter. Criteria: Invitae Variant Classification Sherloc (09022015). Collection method: clinical testing. Allele origin: germline.
Comment: This sequence change replaces leucine, which is neutral and non-polar, with phenylalanine, which is neutral and non-polar, at codon 47 of the RB1 protein (p.Leu47Phe). This variant is not present in population databases (gnomAD no frequency). This variant has not been reported in the literature in individuals affected with RB1-related conditions. ClinVar contains an entry for this variant (Variation ID: 835394). Algorithms developed to predict the effect of missense changes on protein structure and function output the following: SIFT: "Not Available"; PolyPhen-2: "Possibly Damaging"; Align-GVGD: "Not Available". The phenylalanine amino acid residue is found in multiple mammalian species, which suggests that this missense change does not adversely affect protein function. In summary, the available evidence is currently insufficient to determine the role of this variant in disease. Therefore, it has been classified as a Variant of Uncertain Significance.

Ambry Genetics
Classification: Uncertain significance for Hereditary cancer-predisposing syndrome. Last evaluated: 2023-08-28. Review status: criteria provided, single submitter. Criteria: Ambry Variant Classification Scheme 2023. Collection method: clinical testing. Allele origin: germline.
Comment: The p.L47F variant (also known as c.139C>T), located in coding exon 2 of the RB1 gene, results from a C to T substitution at nucleotide position 139. The leucine at codon 47 is replaced by phenylalanine, an amino acid with highly similar properties. This amino acid position is conserved. In addition, this alteration is predicted to be tolerated by in silico analysis. Since supporting evidence is limited at this time, the clinical significance of this alteration remains unclear.